The following is an entry in ClinVar:

NM_006950.3(SYN1):c.1202A>T (p.Glu401Val)

Gene: SYN1 (synapsin I; minus strand). Cytogenetic location: Xp11.3.
Variant type: single nucleotide variant.
Coding change: c.1202A>T on transcript NM_006950.3 (MANE Select); coding-DNA position 1202, A replaced by T.
Protein change: p.Glu401Val; replaces glutamic acid 401 with valine.
Molecular consequence: missense variant.
Genome position (GRCh38, 1-based): chrX:47,575,231, T>A on the plus strand (A>T on the coding strand, the complement: SYN1 is on the minus strand). VCF-style: chrX-47575231-T-A. GRCh37 (hg19) VCF-style: chrX-47434630-T-A.
Other names: c.1202A>T, p.Glu401Val (NM_133499.2); short protein forms E401V.
Identifiers: ClinVar variation 2702398 (VCV002702398.5), dbSNP rs2519685929, ClinGen allele CA412825778.

ClinVar aggregate classification (germline): Uncertain significance. Review status: criteria provided, multiple submitters, no conflicts (2 of 4 stars). 2 submissions from 2 submitters: Uncertain significance (2). Last evaluated 2026-01-18.

Conditions:
Epilepsy, X-linked 1, with variable learning disabilities and behavior disorders. Also called: X-linked epilepsy-learning disabilities-behavior disorders syndrome. Identifiers: Orphanet 85294, MedGen C5774177, MONDO:0010339, OMIM 300491.

Submissions (2):

GeneDx
Classification: Uncertain significance. Last evaluated: 2026-01-18. Review status: criteria provided, single submitter. Criteria: GeneDx Variant Classification Process June 2021. Collection method: clinical testing. Allele origin: germline.
Comment: Not observed at significant frequency in large population cohorts (gnomAD); In silico analysis supports that this missense variant has a deleterious effect on protein structure/function; Has not been previously published as pathogenic or benign to our knowledge

Labcorp Genetics (formerly Invitae), Labcorp
Classification: Uncertain significance for Epilepsy, X-linked 1, with variable learning disabilities and behavior disorders. Last evaluated: 2023-06-09. Review status: criteria provided, single submitter. Criteria: Invitae Variant Classification Sherloc (09022015). Collection method: clinical testing. Allele origin: germline.
Comment: In summary, the available evidence is currently insufficient to determine the role of this variant in disease. Therefore, it has been classified as a Variant of Uncertain Significance. An algorithm developed to predict the effect of missense changes on protein structure and function (PolyPhen-2) suggests that this variant is likely to be disruptive. This variant has not been reported in the literature in individuals affected with SYN1-related conditions. This variant is not present in population databases (gnomAD no frequency). This sequence change replaces glutamic acid, which is acidic and polar, with valine, which is neutral and non-polar, at codon 401 of the SYN1 protein (p.Glu401Val).